The following is an entry in ClinVar:

NM_000256.3(MYBPC3):c.3342C>T (p.Thr1114=)

Gene: MYBPC3 (myosin binding protein C3; minus strand). Cytogenetic location: 11p11.2.
Variant type: single nucleotide variant.
Coding change: c.3342C>T on transcript NM_000256.3 (MANE Select); coding-DNA position 3342, C replaced by T.
Protein change: p.Thr1114=; no amino-acid change (threonine 1114 retained).
Molecular consequence: synonymous variant.
Genome position (GRCh38, 1-based): chr11:47,332,962, G>A on the plus strand (C>T on the coding strand, the complement: MYBPC3 is on the minus strand). VCF-style: chr11-47332962-G-A. GRCh37 (hg19) VCF-style: chr11-47354513-G-A.
Identifiers: ClinVar variation 922459 (VCV000922459.14), dbSNP rs749130484, ClinGen allele CA079326.

ClinVar aggregate classification (germline): Likely benign. Review status: criteria provided, multiple submitters, no conflicts (2 of 4 stars). 5 submissions from 5 submitters: Likely benign (5). Last evaluated 2025-03-10.

Conditions:
Cardiomyopathy (CMYO). Also called: Cardiomyopathies. Identifiers: Orphanet 167848, MedGen C0878544, MONDO:0004994, HP:0001638. Inheritance: Various modes of inheritance.
Cardiovascular phenotype. Identifiers: MedGen CN230736.
Hypertrophic cardiomyopathy. Also called: HYPERTROPHIC MYOCARDIOPATHY. Identifiers: Orphanet 217569, MedGen C0007194, MeSH D002312, MONDO:0005045, HP:0001639.

Allele frequency attached by ClinVar (database versions not stated): gnomAD 0.00001; TOPMed 0.00002; gnomAD exomes 0.00005; ExAC 0.00006.
gnomAD v4.1: 22 of 1,609,802 alleles (0.0014%); highest among the groups gnomAD compares: Middle Eastern, 0.016%; no homozygotes.

Submissions (5):

Labcorp Genetics (formerly Invitae), Labcorp
Classification: Likely benign for Hypertrophic cardiomyopathy. Last evaluated: 2025-03-10. Review status: criteria provided, single submitter. Criteria: Invitae Variant Classification Sherloc (09022015). Collection method: clinical testing. Allele origin: germline.

Ambry Genetics
Classification: Likely benign for Cardiovascular phenotype. Last evaluated: 2024-08-28. Review status: criteria provided, single submitter. Criteria: Ambry Variant Classification Scheme 2023. Collection method: clinical testing. Allele origin: germline.

Blueprint Genetics
Classification: Likely benign. Last evaluated: 2024-02-29. Review status: criteria provided, single submitter. Criteria: ACMG Guidelines, 2015. Collection method: clinical testing. Allele origin: germline.

All of Us Research Program, National Institutes of Health
Classification: Likely benign for Hypertrophic cardiomyopathy. Last evaluated: 2023-11-20. Review status: criteria provided, single submitter. Criteria: ACMG Guidelines, 2015. Collection method: clinical testing. Allele origin: germline. Inheritance: Autosomal dominant inheritance. Observed: 6 variant alleles, 6 heterozygotes.
Comment: This study involves interpretation of variants in research participants for the purpose of population health screening. Participant phenotype was not available at the time of variant classification. Additional details can be found in publication PMID: 35346344, PMCID: PMC8962531

Color Diagnostics, LLC DBA Color Health
Classification: Likely benign for Cardiomyopathy. Last evaluated: 2019-08-19. Review status: criteria provided, single submitter. Criteria: ACMG Guidelines, 2015. Collection method: clinical testing. Allele origin: germline.